The following is an entry in ClinVar:

ClinVar aggregate classification (germline): Likely benign. Review status: criteria provided, multiple submitters, no conflicts (2 of 4 stars). 4 submissions from 4 submitters: Likely benign (3). 1 of the submissions does not count toward it. Last evaluated 2026-02-10.

Conditions:
COL4A3-related disorder. Also called: COL4A3-Related Disorders; COL4A3-related condition.
Alport syndrome. Also called: Hemorrhagic familial nephritis; Hemorrhagic hereditary nephritis; Congenital hereditary hematuria. Identifiers: Orphanet 63, MedGen C1567741, MONDO:0018965.

Allele frequency attached by ClinVar (database versions not stated): ESP Exome Variant Server 0.00008; TOPMed 0.00014; gnomAD 0.00015 and 0.00016; ExAC 0.00016.
gnomAD v4.1: 275 of 1,614,016 alleles (0.017%); highest among the groups gnomAD compares: Non-Finnish European, 0.022%; no homozygotes.

Submissions (4):

PreventionGenetics, part of Exact Sciences
Classification: Likely benign for COL4A3-related condition. Last evaluated: 2026-02-10. Review status: criteria provided, single submitter. Criteria: ACMG Guidelines, 2015. Collection method: clinical testing. Allele origin: germline.
Comment: This variant is classified as likely benign based on ACMG/AMP sequence variant interpretation guidelines (Richards et al. 2015 PMID: 25741868, with internal and published modifications).

Labcorp Genetics (formerly Invitae), Labcorp
Classification: Likely benign. Last evaluated: 2026-01-29. Review status: criteria provided, single submitter. Criteria: Invitae Variant Classification Sherloc (09022015). Collection method: clinical testing. Allele origin: germline.

CeGaT Center for Human Genetics Tuebingen
Classification: Likely benign. Last evaluated: 2024-10-01. Review status: criteria provided, single submitter. Criteria: CeGaT Center For Human Genetics Tuebingen Variant Classification Criteria Version 2. Collection method: clinical testing. Allele origin: germline. Affected: yes. Observed: 1 variant allele.
Comment: COL4A3: BP4, BP7

Natera, Inc.
Classification: Likely benign for Alport syndrome. Last evaluated: 2021-03-24. Review status: no assertion criteria provided. Collection method: clinical testing. Allele origin: germline. Not counted in ClinVar's aggregate classification.

NM_000091.5(COL4A3):c.1362A>T (p.Pro454=)

Genes: MFF-DT (MFF divergent transcript; minus strand), COL4A3 (collagen type IV alpha 3 chain; plus strand). Cytogenetic location: 2q36.3.
Variant type: single nucleotide variant.
Coding change: c.1362A>T on transcript NM_000091.5 (MANE Select); coding-DNA position 1362, A replaced by T.
Protein change: p.Pro454=; no amino-acid change (proline 454 retained).
Molecular consequence: synonymous variant.
Genome position (GRCh38, 1-based): chr2:227,266,463, A>T. VCF-style: chr2-227266463-A-T. GRCh37 (hg19) VCF-style: chr2-228131179-A-T.
Identifiers: ClinVar variation 756277 (VCV000756277.27), dbSNP rs377373374, ClinGen allele CA2146629.